The following is an entry in ClinVar:

NM_000059.4(BRCA2):c.4613_4619delinsTTTTG (p.Ser1538fs)

Gene: BRCA2 (BRCA2 DNA repair associated; plus strand). Cytogenetic location: 13q13.1.
Variant type: Indel.
Coding change: c.4613_4619delinsTTTTG on transcript NM_000059.4 (MANE Select); coding-DNA positions 4613 to 4619, CTTTGGA replaced by TTTTG.
Protein change: p.Ser1538fs; shifts the reading frame from serine 1538.
Molecular consequence: frameshift variant. On other transcripts: non-coding transcript variant (1), intron variant (2).
Genome position (GRCh38, 1-based): chr13:32,338,968-32,338,974, CTTTGGA replaced by TTTTG. VCF-style: chr13-32338968-CTTTGGA-TTTTG. GRCh37 (hg19) VCF-style: chr13-32913105-CTTTGGA-TTTTG.
Other names: c.4613_4619delinsTTTTG, p.Ser1538fs (NM_001406719.1, NM_001406720.1); c.1909+5581_1910-5584delinsTTTTG (NM_001406721.1); c.425-5590_425-5584delinsTTTTG (NM_001406722.1); short protein forms S1538fs.
Identifiers: ClinVar variation 2498578 (VCV002498578.28), dbSNP rs2548528850, ClinGen allele CA2580087300.

ClinVar aggregate classification (germline): Pathogenic (1 of 4 stars; one submission).

Submission:

CeGaT Center for Human Genetics Tuebingen
Classification: Pathogenic. Last evaluated: 2023-03-01. Review status: criteria provided, single submitter. Criteria: CeGaT Center For Human Genetics Tuebingen Variant Classification Criteria Version 2. Collection method: clinical testing. Allele origin: germline. Affected: yes. Observed: 1 variant allele.
Comment: BRCA2: PVS1, PM2